The following is an entry in ClinVar:

ClinVar aggregate classification (germline): Likely benign. Review status: criteria provided, multiple submitters, no conflicts (2 of 4 stars). 5 submissions from 5 submitters: Likely benign (5). Last evaluated 2025-04-01.

Conditions:
Arterial calcification, generalized, of infancy, 2. Identifiers: Orphanet 51608, MedGen C3276161, MONDO:0013768, OMIM 614473.
Autosomal recessive inherited pseudoxanthoma elasticum (PXE). Identifiers: Orphanet 758, MedGen CN032334, MONDO:0009925, OMIM 264800.
Pseudoxanthoma elasticum, forme fruste. Also called: PSEUDOXANTHOMA ELASTICUM, HETEROZYGOUS; Pseudoxanthoma Elasticum, Incomplete. Identifiers: Orphanet 758, MedGen C1867450, MONDO:0008333, OMIM 177850.

Allele frequency attached by ClinVar (database versions not stated): gnomAD exomes 0.00014; TOPMed 0.00023; gnomAD 0.00025.

Submissions (5):

CeGaT Center for Human Genetics Tuebingen
Classification: Likely benign. Last evaluated: 2025-04-01. Review status: criteria provided, single submitter. Criteria: CeGaT Center For Human Genetics Tuebingen Variant Classification Criteria Version 2. Collection method: clinical testing. Allele origin: germline. Affected: yes. Observed: 9 variant alleles.
Comment: ABCC6: BP4, BP7

Laboratory of Genetics, Children's Clinical University Hospital Latvia
Classification: Likely benign. Last evaluated: 2025-02-16. Review status: criteria provided, single submitter. Criteria: ACMG Guidelines, 2015. Collection method: clinical testing. Allele origin: germline. Affected: yes.

Blueprint Genetics
Classification: Likely benign. Last evaluated: 2024-11-19. Review status: criteria provided, single submitter. Criteria: ACMG Guidelines, 2015. Collection method: clinical testing. Allele origin: germline.

Fulgent Genetics
Classification: Likely benign for Pseudoxanthoma elasticum, forme fruste; Autosomal recessive inherited pseudoxanthoma elasticum; Arterial calcification, generalized, of infancy, 2. Last evaluated: 2021-11-18. Review status: criteria provided, single submitter. Criteria: ACMG Guidelines, 2015. Collection method: clinical testing. Allele origin: unknown.

GeneDx
Classification: Likely benign. Last evaluated: 2016-05-02. Review status: criteria provided, single submitter. Criteria: GeneDx Variant Classification (06012015). Collection method: clinical testing. Allele origin: germline. Affected: yes.
Comment: This variant is considered likely benign or benign based on one or more of the following criteria: it is a conservative change, it occurs at a poorly conserved position in the protein, it is predicted to be benign by multiple in silico algorithms, and/or has population frequency not consistent with disease.

NM_001171.6(ABCC6):c.396A>G (p.Ser132=)

Gene: ABCC6 (ATP binding cassette subfamily C member 6; minus strand). Cytogenetic location: 16p13.11.
Variant type: single nucleotide variant.
Coding change: c.396A>G on transcript NM_001171.6 (MANE Select); coding-DNA position 396, A replaced by G.
Protein change: p.Ser132=; no amino-acid change (serine 132 retained).
Molecular consequence: synonymous variant. On other transcripts: non-coding transcript variant (1).
Genome position (GRCh38, 1-based): chr16:16,219,632, T>C on the plus strand (A>G on the coding strand, the complement: ABCC6 is on the minus strand). VCF-style: chr16-16219632-T-C. GRCh37 (hg19) VCF-style: chr16-16313489-T-C.
Other names: c.54A>G, p.Ser18= (NM_001351800.1).
Identifiers: ClinVar variation 380374 (VCV000380374.46), dbSNP rs913912489, ClinGen allele CA16607266.